The following is an entry in ClinVar:

ClinVar aggregate classification (germline): Conflicting classifications of pathogenicity. Review status: criteria provided, conflicting classifications (1 of 4 stars). 4 submissions from 4 submitters: Uncertain significance (3); Likely benign (1). Last evaluated 2025-12-01.

Conditions:
3M syndrome 1. Also called: 3-M Syndrome, CUL7-Related. Identifiers: Orphanet 2616, MedGen C2678312, MONDO:0010117, OMIM 273750.
Inborn genetic diseases. Identifiers: MedGen C0950123, MeSH D030342.

Allele frequency attached by ClinVar (database versions not stated): TOPMed below 0.00001; gnomAD 0.00001; gnomAD exomes 0.00001; ExAC 0.00002; 1000 Genomes Project 30x 0.00016; 1000 Genomes Project 0.00020.

Submissions (4):

Women's Health and Genetics/Laboratory Corporation of America, LabCorp
Classification: Uncertain significance. Last evaluated: 2025-12-01. Review status: criteria provided, single submitter. Criteria: LabCorp Variant Classification Summary - May 2015. Collection method: clinical testing. Allele origin: germline.
Comment: Variant summary: CUL7 c.3046G>A (p.Gly1016Ser) results in a non-conservative amino acid change in the encoded protein sequence. Algorithms developed to predict the effect of missense changes on protein structure and function are either unavailable or do not agree on the potential impact of this missense change. The variant allele was found at a frequency of 1.6e-05 in 251300 control chromosomes. The available data on variant occurrences in the general population are insufficient to allow any conclusion about variant significance. To our knowledge, no occurrence of c.3046G>A in individuals affected with CUL7-related conditions and no experimental evidence demonstrating its impact on protein function have been reported. ClinVar contains an entry for this variant (Variation ID: 2146950). Based on the evidence outlined above, the variant was classified as uncertain significance.

3billion
Classification: Likely benign for 3M syndrome 1. Last evaluated: 2024-09-20. Review status: criteria provided, single submitter. Criteria: ACMG Guidelines, 2015. Collection method: clinical testing. Allele origin: germline. Affected: no.
Comment: The homozygous variant was found in patients diagnosed with another variant in a different gene, with no symptoms related to the gene containing the homozygous variant.

Ambry Genetics
Classification: Uncertain significance for Inborn genetic diseases. Last evaluated: 2023-06-12. Review status: criteria provided, single submitter. Criteria: Ambry Variant Classification Scheme 2023. Collection method: clinical testing. Allele origin: germline.

Labcorp Genetics (formerly Invitae), Labcorp
Classification: Uncertain significance. Last evaluated: 2022-05-30. Review status: criteria provided, single submitter. Criteria: Invitae Variant Classification Sherloc (09022015). Collection method: clinical testing. Allele origin: germline.
Comment: In summary, the available evidence is currently insufficient to determine the role of this variant in disease. Therefore, it has been classified as a Variant of Uncertain Significance. Algorithms developed to predict the effect of missense changes on protein structure and function are either unavailable or do not agree on the potential impact of this missense change (SIFT: "Tolerated"; PolyPhen-2: "Possibly Damaging"; Align-GVGD: "Class C0"). This variant has not been reported in the literature in individuals affected with CUL7-related conditions. This variant is present in population databases (rs528280483, gnomAD 0.01%). This sequence change replaces glycine, which is neutral and non-polar, with serine, which is neutral and polar, at codon 1016 of the CUL7 protein (p.Gly1016Ser).

NM_014780.5(CUL7):c.3046G>A (p.Gly1016Ser)

Gene: CUL7 (cullin 7; minus strand). Cytogenetic location: 6p21.1.
Variant type: single nucleotide variant.
Coding change: c.3046G>A on transcript NM_014780.5 (MANE Select); coding-DNA position 3046, G replaced by A.
Protein change: p.Gly1016Ser; replaces glycine 1016 with serine.
Molecular consequence: missense variant.
Genome position (GRCh38, 1-based): chr6:43,044,878, C>T on the plus strand (G>A on the coding strand, the complement: CUL7 is on the minus strand). VCF-style: chr6-43044878-C-T. GRCh37 (hg19) VCF-style: chr6-43012616-C-T.
Other names: c.3046G>A (NM_014780.4); c.3142G>A, p.Gly1048Ser (NM_001168370.2, NM_001374872.1); c.3046G>A, p.Gly1016Ser (NM_001374873.1, NM_001374874.1); short protein forms G1016S, G1048S.
Identifiers: ClinVar variation 2146950 (VCV002146950.9), dbSNP rs528280483, ClinGen allele CA3813599.